The following is an entry in ClinVar:

ClinVar aggregate classification (germline): Likely benign. Review status: reviewed by expert panel (3 of 4 stars). 8 submissions from 8 submitters: Likely benign (1). 7 of the submissions do not count toward it. Last evaluated 2021-03-18.

Conditions:
RYR1-related disorder. Also called: RYR1-related disorders; RYR1-related condition. Identifiers: MedGen CN239331.
Malignant hyperthermia, susceptibility to, 1 (MHS1). Also called: RYR1-Related Malignant Hyperthermia Susceptibility; Anesthesia related hyperthermia; Malignant hyperpyrexia; Fulminating hyperpyrexia; Pharmacogenic myopathy; Malignant hyperthermia suceptibility 1. Identifiers: Orphanet 423, MedGen C2930980, MONDO:0007783, OMIM 145600.

Allele frequency attached by ClinVar (database versions not stated): TOPMed 0.00013; ESP Exome Variant Server 0.00015; gnomAD 0.00010.

Submissions (8):

ClinGen Malignant Hyperthermia Susceptibility Variant Curation Expert Panel, ClinGen
Classification: Likely benign for Malignant hyperthermia, susceptibility to, 1. Last evaluated: 2021-03-18. Review status: reviewed by expert panel. Criteria: ClinGen MHS ACMG Specifications V1. Collection method: curation. Allele origin: germline. Inheritance: Autosomal dominant inheritance. Study: ClinGen.
Comment: This pathogenicity assessment is relevant only for malignant hyperthermia susceptibility (MHS) inherited in an autosomal dominant pattern. Variants in RYR1 can also cause other myopathies inherited in an autosomal dominant pattern or in an autosomal recessive pattern. Some of these disorders may predispose individuals to malignant hyperthermia. RYR1 variants may also contribute to a malignant hyperthermia reaction in combination with other genetic and non-genetic factors and the clinician needs to consider such factors in making management decisions. This sequence variant predicts a substitution of alanine with threonine at codon 140 of the RYR1 protein, p.(Ala140Thr). The maximum allele frequency for this variant among the six major gnomAD populations is NFE: 0.0002, a frequency consistent with pathogenicity for MHS. This variant has been reported in an individual with a personal or family history of an MH episode without a positive in vitro contracture test (IVCT) or caffeine halothane contracture test (CHCT) result (if the proband was unavailable for testing, a positive diagnostic test result in a mutation-positive relative was counted), this does not meet the requirement for PS4 (PMID:21455645). This variant has been identified in one individual with a negative IVCT/CHCT results, BS2_Moderate (PMID:21455645). No functional studies were identified for this variant. This variant resides in a region of RYR1 considered to be a hotspot for pathogenic variants that contribute to MHS, PM1 (PMID: 21118704). A REVEL score <0.5 (0.261) supports a benign status for this variant, BP4. Based on using Bayes to combine criteria this variant is classified as Likely Benign (PMID: 29300386). Criteria implemented: BS2_Moderate, PM1, BP4.

Mayo Clinic Laboratories, Mayo Clinic
Classification: Uncertain significance. Last evaluated: 2025-03-03. Review status: criteria provided, single submitter. Criteria: ACMG Guidelines, 2015. Collection method: clinical testing. Allele origin: germline. Observed: 1 variant allele. Not counted in ClinVar's aggregate classification.
Comment: BP4

Revvity Omics, Revvity
Classification: Uncertain significance. Last evaluated: 2023-07-25. Review status: criteria provided, single submitter. Criteria: ACMG Guidelines, 2015. Collection method: clinical testing. Allele origin: germline. Not counted in ClinVar's aggregate classification.

Labcorp Genetics (formerly Invitae), Labcorp
Classification: Uncertain significance for RYR1-related disorder. Last evaluated: 2022-09-20. Review status: criteria provided, single submitter. Criteria: Invitae Variant Classification Sherloc (09022015). Collection method: clinical testing. Allele origin: germline. Not counted in ClinVar's aggregate classification.
Comment: This sequence change replaces alanine, which is neutral and non-polar, with threonine, which is neutral and polar, at codon 140 of the RYR1 protein (p.Ala140Thr). This variant is present in population databases (rs142474192, gnomAD 0.02%). This missense change has been observed in individual(s) with familial malignant hyperthermia (PMID: 21455645). ClinVar contains an entry for this variant (Variation ID: 544412). Advanced modeling of protein sequence and biophysical properties (such as structural, functional, and spatial information, amino acid conservation, physicochemical variation, residue mobility, and thermodynamic stability) performed at Invitae indicates that this missense variant is not expected to disrupt RYR1 protein function. In summary, the available evidence is currently insufficient to determine the role of this variant in disease. Therefore, it has been classified as a Variant of Uncertain Significance.

Color Diagnostics, LLC DBA Color Health
Classification: Likely benign for Malignant hyperthermia, susceptibility to, 1. Last evaluated: 2022-08-04. Review status: criteria provided, single submitter. Criteria: ACMG Guidelines, 2015. Collection method: clinical testing. Allele origin: germline. Not counted in ClinVar's aggregate classification.

GeneDx
Classification: Uncertain significance. Last evaluated: 2021-08-05. Review status: criteria provided, single submitter. Criteria: GeneDx Variant Classification Process June 2021. Collection method: clinical testing. Allele origin: germline. Affected: yes. Not counted in ClinVar's aggregate classification.
Comment: Reported in a patient with malignant hyperthermia susceptibility but was also observed in a relative who had a negative caffeine-halothane contracture test (Kraeva et al., 2011); In silico analysis, which includes protein predictors and evolutionary conservation, supports that this variant does not alter protein structure/function; This variant is associated with the following publications: (PMID: 22473935, 20681998, 26068069, 16084090, 21455645)

CeGaT Center for Human Genetics Tuebingen
Classification: Uncertain significance. Last evaluated: 2019-04-01. Review status: criteria provided, single submitter. Criteria: CeGaT Center For Human Genetics Tuebingen Variant Classification Criteria Version 2. Collection method: clinical testing. Allele origin: germline. Affected: yes. Observed: 1 variant allele. Not counted in ClinVar's aggregate classification.

PreventionGenetics, part of Exact Sciences
Classification: Uncertain significance. Last evaluated: 2017-09-25. Review status: criteria provided, single submitter. Criteria: ACMG Guidelines, 2015. Collection method: clinical testing. Allele origin: germline. Not counted in ClinVar's aggregate classification.

Literature cited by the submitters: PubMed 21455645 (cited by Mayo Clinic Laboratories, Mayo Clinic and Labcorp Genetics (formerly Invitae), Labcorp); PubMed 32236737 (cited by Mayo Clinic Laboratories, Mayo Clinic).

NM_000540.3(RYR1):c.418G>A (p.Ala140Thr)

Gene: RYR1 (ryanodine receptor 1; plus strand). Cytogenetic location: 19q13.2.
Variant type: single nucleotide variant.
Coding change: c.418G>A on transcript NM_000540.3 (MANE Select); coding-DNA position 418, G replaced by A.
Protein change: p.Ala140Thr; replaces alanine 140 with threonine.
Molecular consequence: missense variant.
Genome position (GRCh38, 1-based): chr19:38,443,790, G>A. VCF-style: chr19-38443790-G-A. GRCh37 (hg19) VCF-style: chr19-38934430-G-A.
Other names: NM_000540.2(RYR1):c.418G>A; p.Ala140Thr; c.418G>A, p.Ala140Thr (NM_001042723.2); short protein forms A140T.
Identifiers: ClinVar variation 544412 (VCV000544412.55), dbSNP rs142474192, ClinGen allele CA065638.